The following is an entry in ClinVar:

ClinVar aggregate classification (germline): Uncertain significance (1 of 4 stars; one submission).

gnomAD v4.1: 7 of 1,614,028 alleles (0.00043%); highest among the groups gnomAD compares: Middle Eastern, 0.016%; no homozygotes.

Submission:

Labcorp Genetics (formerly Invitae), Labcorp
Classification: Uncertain significance. Last evaluated: 2024-05-24. Review status: criteria provided, single submitter. Criteria: Invitae Variant Classification Sherloc (09022015). Collection method: clinical testing. Allele origin: germline.
Comment: This sequence change replaces proline, which is neutral and non-polar, with serine, which is neutral and polar, at codon 242 of the ELOVL4 protein (p.Pro242Ser). This variant is not present in population databases (gnomAD no frequency). This variant has not been reported in the literature in individuals affected with ELOVL4-related conditions. Advanced modeling of protein sequence and biophysical properties (such as structural, functional, and spatial information, amino acid conservation, physicochemical variation, residue mobility, and thermodynamic stability) performed at Invitae indicates that this missense variant is not expected to disrupt ELOVL4 protein function with a negative predictive value of 80%. In summary, the available evidence is currently insufficient to determine the role of this variant in disease. Therefore, it has been classified as a Variant of Uncertain Significance.

NM_022726.4(ELOVL4):c.724C>T (p.Pro242Ser)

Gene: ELOVL4 (ELOVL fatty acid elongase 4; minus strand). Cytogenetic location: 6q14.1.
Variant type: single nucleotide variant.
Coding change: c.724C>T on transcript NM_022726.4 (MANE Select); coding-DNA position 724, C replaced by T.
Protein change: p.Pro242Ser; replaces proline 242 with serine.
Molecular consequence: missense variant.
Genome position (GRCh38, 1-based): chr6:79,916,829, G>A on the plus strand (C>T on the coding strand, the complement: ELOVL4 is on the minus strand). VCF-style: chr6-79916829-G-A. GRCh37 (hg19) VCF-style: chr6-80626546-G-A.
Other names: short protein forms P242S.
Identifiers: ClinVar variation 3689795 (VCV003689795.2).